The following is an entry in ClinVar:

ClinVar aggregate classification (germline): Uncertain significance (1 of 4 stars; one submission).

Conditions:
Hereditary cancer-predisposing syndrome. Also called: Neoplastic Syndromes, Hereditary; Tumor predisposition; Hereditary neoplastic syndrome; Hereditary Cancer Syndrome. Identifiers: Orphanet 140162, MedGen C0027672, MeSH D009386, MONDO:0015356.

Submission:

Ambry Genetics
Classification: Uncertain significance for Hereditary cancer-predisposing syndrome. Last evaluated: 2024-03-16. Review status: criteria provided, single submitter. Criteria: Ambry Variant Classification Scheme 2023. Collection method: clinical testing. Allele origin: germline.
Comment: The p.S268C variant (also known as c.803C>G), located in coding exon 7 of the SDHA gene, results from a C to G substitution at nucleotide position 803. The serine at codon 268 is replaced by cysteine, an amino acid with dissimilar properties. This amino acid position is conserved. In addition, this alteration is predicted to be deleterious by in silico analysis. Based on the available evidence, the clinical significance of this alteration remains unclear.

NM_004168.4(SDHA):c.803C>G (p.Ser268Cys)

Gene: SDHA (succinate dehydrogenase complex flavoprotein subunit A; plus strand). Cytogenetic location: 5p15.33.
Variant type: single nucleotide variant.
Coding change: c.803C>G on transcript NM_004168.4 (MANE Select); coding-DNA position 803, C replaced by G.
Protein change: p.Ser268Cys; replaces serine 268 with cysteine.
Molecular consequence: missense variant.
Genome position (GRCh38, 1-based): chr5:230,908, C>G. VCF-style: chr5-230908-C-G. GRCh37 (hg19) VCF-style: chr5-231023-C-G.
Other names: c.659C>G, p.Ser220Cys (NM_001294332.2); c.803C>G, p.Ser268Cys (NM_001330758.2); short protein forms S268C, S220C.
Identifiers: ClinVar variation 3316826 (VCV003316826.1).
Genomic context (GRCh38, chr5:230,908, plus strand): 5'-TGCAGTCACTGCTCTCTATTGTTTCCAGAGGCTACGGGCGCACCTACTTCAGCTGCACGT[C>G]TGCCCACACCAGCACTGGCGACGGCACGGCCATGATCACCAGGGCAGGCCTTCCTTGCCA-3'
Protein context (NP_004159.2, residues 258-278): GYGRTYFSCT[Ser268Cys]AHTSTGDGTA